The following is an entry in ClinVar:

NM_206937.2(LIG4):c.2470G>T (p.Ala824Ser)

Gene: LIG4 (DNA ligase 4; minus strand). Cytogenetic location: 13q33.3.
Variant type: single nucleotide variant.
Coding change: c.2470G>T on transcript NM_206937.2 (MANE Select); coding-DNA position 2470, G replaced by T.
Protein change: p.Ala824Ser; replaces alanine 824 with serine.
Molecular consequence: missense variant.
Genome position (GRCh38, 1-based): chr13:108,208,799, C>A on the plus strand (G>T on the coding strand, the complement: LIG4 is on the minus strand). VCF-style: chr13-108208799-C-A. GRCh37 (hg19) VCF-style: chr13-108861147-C-A.
Other names: c.2470G>T, p.Ala824Ser (NM_001098268.2, NM_001352598.2, NM_001352599.2 and 6 more transcripts); c.2269G>T, p.Ala757Ser (NM_001330595.2); c.2506G>T, p.Ala836Ser (NM_001352604.2); short protein forms A836S, A824S, A757S.
Identifiers: ClinVar variation 2056100 (VCV002056100.2), dbSNP rs907521049, ClinGen allele CA256179151.

ClinVar aggregate classification (germline): Uncertain significance. Review status: criteria provided, multiple submitters, no conflicts (2 of 4 stars). 2 submissions from 2 submitters: Uncertain significance (2). Last evaluated 2023-11-22.

Conditions:
Inborn genetic diseases. Identifiers: MedGen C0950123, MeSH D030342.
DNA ligase IV deficiency. Identifiers: Orphanet 99812, MedGen C1847827, MONDO:0011686, OMIM 606593.

Allele frequency attached by ClinVar (database versions not stated): gnomAD 0.00002; TOPMed 0.00006.
gnomAD v4.1: 5 of 1,614,008 alleles (0.00031%); highest among the groups gnomAD compares: Admixed American, 0.0083%; no homozygotes.

Submissions (2):

Ambry Genetics
Classification: Uncertain significance for Inborn genetic diseases. Last evaluated: 2023-11-22. Review status: criteria provided, single submitter. Criteria: Ambry Variant Classification Scheme 2023. Collection method: clinical testing. Allele origin: germline.

Labcorp Genetics (formerly Invitae), Labcorp
Classification: Uncertain significance for DNA ligase IV deficiency. Last evaluated: 2022-08-05. Review status: criteria provided, single submitter. Criteria: Invitae Variant Classification Sherloc (09022015). Collection method: clinical testing. Allele origin: germline.
Comment: This sequence change replaces alanine, which is neutral and non-polar, with serine, which is neutral and polar, at codon 824 of the LIG4 protein (p.Ala824Ser). This variant is not present in population databases (gnomAD no frequency). This variant has not been reported in the literature in individuals affected with LIG4-related conditions. Algorithms developed to predict the effect of missense changes on protein structure and function (SIFT, PolyPhen-2, Align-GVGD) all suggest that this variant is likely to be tolerated. In summary, the available evidence is currently insufficient to determine the role of this variant in disease. Therefore, it has been classified as a Variant of Uncertain Significance.